The following is an entry in ClinVar:

NM_002878.4(RAD51D):c.263+1606C>G

Genes: RAD51L3-RFFL (RAD51L3-RFFL readthrough; minus strand), RAD51D (RAD51 paralog D; minus strand). Cytogenetic location: 17q12.
Variant type: single nucleotide variant.
Coding change: c.263+1606C>G on transcript NM_002878.4 (MANE Select); 1606 bases into the intron after coding-DNA position 263, C replaced by G.
Molecular consequence: intron variant. On other transcripts: missense variant (1).
Genome position (GRCh38, 1-based): chr17:35,116,895, G>C on the plus strand (C>G on the coding strand, the complement: RAD51D is on the minus strand). VCF-style: chr17-35116895-G-C. GRCh37 (hg19) VCF-style: chr17-33443914-G-C.
Other names: c.287C>G, p.Ala96Gly (NM_001142571.2); c.144+2216C>G (NM_133629.3); short protein forms A96G.
Identifiers: ClinVar variation 5027837 (VCV005027837.1).

ClinVar aggregate classification (germline): Uncertain significance (1 of 4 stars; one submission).

Conditions:
Hereditary cancer-predisposing syndrome. Also called: Neoplastic Syndromes, Hereditary; Tumor predisposition; Hereditary neoplastic syndrome; Hereditary Cancer Syndrome. Identifiers: Orphanet 140162, MedGen C0027672, MeSH D009386, MONDO:0015356.

gnomAD v4.1: 3 of 1,593,856 alleles (0.00019%); highest among the groups gnomAD compares: Non-Finnish European, 0.00017%; no homozygotes.

Submission:

Ambry Genetics
Classification: Uncertain significance for Hereditary cancer-predisposing syndrome. Last evaluated: 2026-07-07. Review status: criteria provided, single submitter. Criteria: Ambry Variant Classification Scheme 2023. Collection method: clinical testing. Allele origin: germline.
Comment: The p.A96G variant (also known as c.287C>G), located in coding exon 3 of the RAD51D gene, results from a C to G substitution at nucleotide position 287. The alanine at codon 96 is replaced by glycine, an amino acid with similar properties. This amino acid position is conserved. In addition, this alteration is predicted to be tolerated by in silico analysis. Based on the available evidence, the clinical significance of this variant remains unclear.